The following is an entry in ClinVar:

ClinVar aggregate classification (germline): Pathogenic (1 of 4 stars; one submission).

Conditions:
Primary ciliary dyskinesia. Also called: Ciliary dyskinesia. Identifiers: Orphanet 244, MedGen C0008780, MONDO:0016575, HP:0012265.

Submission:

Labcorp Genetics (formerly Invitae), Labcorp
Classification: Pathogenic for Primary ciliary dyskinesia. Last evaluated: 2022-09-27. Review status: criteria provided, single submitter. Criteria: Invitae Variant Classification Sherloc (09022015). Collection method: clinical testing. Allele origin: germline.
Comment: For these reasons, this variant has been classified as Pathogenic. This variant has not been reported in the literature in individuals affected with CCDC40-related conditions. This variant is not present in population databases (gnomAD no frequency). This sequence change creates a premature translational stop signal (p.Asp982Glyfs*16) in the CCDC40 gene. It is expected to result in an absent or disrupted protein product. Loss-of-function variants in CCDC40 are known to be pathogenic (PMID: 21131974, 22693285, 23255504).

Literature cited by the submitters: PubMed 21131974; PubMed 22693285; PubMed 23255504.

NM_017950.4(CCDC40):c.2944dup (p.Asp982fs)

Gene: CCDC40 (coiled-coil domain 40 molecular ruler complex subunit; plus strand). Cytogenetic location: 17q25.3.
Variant type: Duplication.
Coding change: c.2944dup on transcript NM_017950.4 (MANE Select); coding-DNA position 2944, one base duplicated (G; older notation c.2944dupG).
Protein change: p.Asp982fs; shifts the reading frame from aspartic acid 982.
Molecular consequence: frameshift variant.
Genome position (GRCh38, 1-based): chr17:80,095,374, G duplicated; the last of 2 consecutive G bases (chr17:80,095,373-80,095,374); duplicating either gives the same sequence. VCF-style (leftmost placement, unchanged base first): chr17-80095372-T-TG. GRCh37 (hg19) VCF-style: chr17-78069171-T-TG.
Other names: short protein forms D982fs.
Identifiers: ClinVar variation 2051445 (VCV002051445.4), dbSNP rs2510324631, ClinGen allele CA2580095436.
Genomic context (GRCh38, chr17:80,095,372, plus strand): 5'-TGGAGTTGGCGGTTGCCCGCAGAGAGACCGTCACCACCCAGGCCGAGGGGCAGCGCAAGA[T>TG]GGACAGGAAGGCGCTCACCCGCACCGACTTCCACCACAAGCAGCTTGAGCTGCGCCGGAA-3'